The following is an entry in ClinVar:

ClinVar aggregate classification (germline): Uncertain significance. Review status: criteria provided, multiple submitters, no conflicts (2 of 4 stars). 3 submissions from 3 submitters: Uncertain significance (2). 1 of the submissions does not count toward it. Last evaluated 2026-01-28.

Conditions:
Pulmonary fibrosis and/or bone marrow failure, Telomere-related, 3. Also called: PULMONARY FIBROSIS AND/OR BONE MARROW FAILURE SYNDROME, TELOMERE-RELATED, 3. Identifiers: Orphanet 2032, MedGen C4225346, MONDO:0014613, OMIM 616373.
Dyskeratosis congenita, autosomal recessive 5 (DKCB5). Identifiers: MedGen C3554656, MONDO:0014076, OMIM 615190.
Dyskeratosis congenita. Identifiers: Orphanet 1775, MedGen C0265965, MONDO:0015780.

Allele frequency attached by ClinVar (database versions not stated): gnomAD exomes 0.00001; ExAC 0.00002; TOPMed 0.00003; gnomAD 0.00004 and 0.00005; ESP Exome Variant Server 0.00008.

Submissions (3):

Labcorp Genetics (formerly Invitae), Labcorp
Classification: Uncertain significance for Dyskeratosis congenita, autosomal recessive 5; Pulmonary fibrosis and/or bone marrow failure, Telomere-related, 3. Last evaluated: 2026-01-28. Review status: criteria provided, single submitter. Criteria: Invitae Variant Classification Sherloc (09022015). Collection method: clinical testing. Allele origin: germline.
Comment: This sequence change replaces lysine, which is basic and polar, with arginine, which is basic and polar, at codon 945 of the RTEL1 protein (p.Lys945Arg). This variant is present in population databases (rs369064972, gnomAD 0.003%). This variant has not been reported in the literature in individuals affected with RTEL1-related conditions. ClinVar contains an entry for this variant (Variation ID: 969250). An algorithm developed to predict the effect of missense changes on protein structure and function (PolyPhen-2) suggests that this variant is likely to be disruptive. In summary, the available evidence is currently insufficient to determine the role of this variant in disease. Therefore, it has been classified as a Variant of Uncertain Significance.

GeneDx
Classification: Uncertain significance. Last evaluated: 2022-08-01. Review status: criteria provided, single submitter. Criteria: GeneDx Variant Classification Process June 2021. Collection method: clinical testing. Allele origin: germline. Affected: yes.
Comment: Not observed at significant frequency in large population cohorts (gnomAD); In silico analysis supports that this missense variant does not alter protein structure/function; Has not been previously published as pathogenic or benign to our knowledge

Natera, Inc.
Classification: Uncertain significance for Dyskeratosis congenita. Last evaluated: 2021-07-20. Review status: no assertion criteria provided. Collection method: clinical testing. Allele origin: germline. Not counted in ClinVar's aggregate classification.

NM_001283009.2(RTEL1):c.2834A>G (p.Lys945Arg)

Genes: RTEL1-TNFRSF6B (RTEL1-TNFRSF6B readthrough (NMD candidate); plus strand), RTEL1 (regulator of telomere elongation helicase 1; plus strand). Cytogenetic location: 20q13.33.
Variant type: single nucleotide variant.
Coding change: c.2834A>G on transcript NM_001283009.2 (MANE Select); coding-DNA position 2834, A replaced by G.
Protein change: p.Lys945Arg; replaces lysine 945 with arginine.
Molecular consequence: missense variant. On other transcripts: non-coding transcript variant (1).
Genome position (GRCh38, 1-based): chr20:63,692,986, A>G. VCF-style: chr20-63692986-A-G. GRCh37 (hg19) VCF-style: chr20-62324339-A-G.
Other names: c.2906A>G (NM_032957.4); c.2165A>G, p.Lys722Arg (NM_001283010.1); c.2834A>G, p.Lys945Arg (NM_016434.4); c.2906A>G, p.Lys969Arg (NM_032957.5); short protein forms K945R, K722R, K969R.
Identifiers: ClinVar variation 969250 (VCV000969250.13), dbSNP rs369064972, ClinGen allele CA9965569.
Genomic context (GRCh38, chr20:63,692,986, plus strand): 5'-CCGATGACTTCGCCGCCCTGGCCGCCTGTCTCGGCCCCCTCTTTGCTGAGGACCCCAAGA[A>G]GCACAACCTGCTCCAAGGTGCCCTGGCTTGCAGAGGCCACCCACCCTGAGGGCAGTGCTG-3'
Protein context (NP_001269938.1, residues 935-955): LGPLFAEDPK[Lys945Arg]HNLLQGFYQF